The following is an entry in ClinVar:

NM_018847.4(KLHL9):c.829C>T (p.Gln277Ter)

Gene: KLHL9 (kelch like family member 9; minus strand). Cytogenetic location: 9p21.3.
Variant type: single nucleotide variant.
Coding change: c.829C>T on transcript NM_018847.4 (MANE Select); coding-DNA position 829, C replaced by T.
Protein change: p.Gln277Ter; replaces glutamine 277 with a stop codon.
Molecular consequence: nonsense.
Genome position (GRCh38, 1-based): chr9:21,334,031, G>A on the plus strand (C>T on the coding strand, the complement: KLHL9 is on the minus strand). VCF-style: chr9-21334031-G-A. GRCh37 (hg19) VCF-style: chr9-21334030-G-A.
Other names: short protein forms Q277*.
Identifiers: ClinVar variation 2777981 (VCV002777981.3), dbSNP rs2537381377, ClinGen allele CA373071083.

ClinVar aggregate classification (germline): Uncertain significance (1 of 4 stars; one submission).

Submission:

Labcorp Genetics (formerly Invitae), Labcorp
Classification: Uncertain significance. Last evaluated: 2024-04-11. Review status: criteria provided, single submitter. Criteria: Invitae Variant Classification Sherloc (09022015). Collection method: clinical testing. Allele origin: germline.
Comment: This sequence change creates a premature translational stop signal (p.Gln277*) in the KLHL9 gene. While this is not anticipated to result in nonsense mediated decay, it is expected to disrupt the last 341 amino acid(s) of the KLHL9 protein. This variant is not present in population databases (gnomAD no frequency). This variant has not been reported in the literature in individuals affected with KLHL9-related conditions. In summary, the available evidence is currently insufficient to determine the role of this variant in disease. Therefore, it has been classified as a Variant of Uncertain Significance.